The following is an entry in ClinVar:

ClinVar aggregate classification (germline): Pathogenic. Review status: criteria provided, multiple submitters, no conflicts (2 of 4 stars). 18 submissions from 17 submitters: Pathogenic (13). 5 of the submissions do not count toward it. Last evaluated 2025-10-13.

Conditions:
Pheochromocytoma. Also called: MAX-Related Hereditary Paraganglioma-Pheochromocytoma Syndrome. Identifiers: Orphanet 29072, MedGen C0031511, MONDO:0008233, OMIM 171300, HP:0002666.
Multiple endocrine neoplasia type 2B. Also called: MEN IIB; NEUROMATA, MUCOSAL, WITH ENDOCRINE TUMORS; MEN 2B; Multiple endocrine neoplasia, type 3; Multiple Endocrine Neoplasia Type 2B (MEN2B); MUCOSAL NEUROMA SYNDROME. Identifiers: Orphanet 247709, Orphanet 653, MedGen C0025269, MeSH D018814, MONDO:0008082, OMIM 162300.
Familial medullary thyroid carcinoma (MTC). Also called: Thyroid cancer, familial medullary; MTC, familial; Familial Medullary Thyroid Carcinoma (FMTC). Identifiers: Orphanet 653, Orphanet 99361, MedGen C1833921, MONDO:0007958, OMIM 155240.
Multiple endocrine neoplasia type 2A. Also called: Multiple Endocrine Neoplasia Type 2A (MEN2A); MULTIPLE ENDOCRINE NEOPLASIA, TYPE IIA; PTC SYNDROME; SIPPLE SYNDROME; MEN 2A; MEN-2A syndrome. Identifiers: Orphanet 247698, Orphanet 653, MedGen C0025268, MeSH D018813, MONDO:0008234, OMIM 171400.
Hirschsprung disease, susceptibility to, 1 (HSCR1). Also called: RET-Related Hirschsprung Disease. Identifiers: Orphanet 388, MedGen C3888239, MONDO:0007723, OMIM 142623.
RET-related disorder. Also called: RET-related disorders; RET-related condition; RET-related disease.
Hereditary cancer-predisposing syndrome. Also called: Neoplastic Syndromes, Hereditary; Tumor predisposition; Hereditary Cancer Syndrome; Hereditary neoplastic syndrome. Identifiers: Orphanet 140162, MedGen C0027672, MeSH D009386, MONDO:0015356.
Multiple endocrine neoplasia, type 2 (MEN2). Identifiers: Orphanet 653, MedGen C4048306, MONDO:0019003. Disease mechanism: gain of function.

Submissions 1 to 9 of 18:

Dasa
Classification: Pathogenic. Last evaluated: 2025-10-13. Review status: criteria provided, single submitter. Criteria: DASA Assertion Criteria. Collection method: clinical testing. Allele origin: germline.
Comment: NM_020975.6(RET):c.1859G>T (p.Cys620Phe) is a missense variant that results in the substitution of cysteine with phenylalanine. The affected residue or protein region has prior evidence supporting clinical relevance. Segregation evidence has been reported in affected families. This variant has been recurrently observed in individuals with related phenotype (PMID: 21765987; PMID: 20979234; PMID: 19443294; PMID: 16705552; PMID: 37374115). Multiple computational predictions support a deleterious effect on the gene or gene product. The variant is present at low frequency in population datasets. Based on the available data, this variant is classified as pathogenic.

Labcorp Genetics (formerly Invitae), Labcorp
Classification: Pathogenic for Multiple endocrine neoplasia, type 2. Last evaluated: 2025-09-08. Review status: criteria provided, single submitter. Criteria: Invitae Variant Classification Sherloc (09022015). Collection method: clinical testing. Allele origin: germline.
Comment: This sequence change replaces cysteine, which is neutral and slightly polar, with phenylalanine, which is neutral and non-polar, at codon 620 of the RET protein (p.Cys620Phe). This variant is not present in population databases (gnomAD no frequency). This missense change has been observed in individual(s) with medullary thyroid cancer and pheochromocytoma (PMID: 7915165, 8909322, 16705552, 19443294, 20979234). It has also been observed to segregate with disease in related individuals. ClinVar contains an entry for this variant (Variation ID: 13928). An algorithm developed to predict the effect of missense changes on protein structure and function (PolyPhen-2) suggests that this variant is likely to be disruptive. This variant disrupts the p.Cys620 amino acid residue in RET. Other variant(s) that disrupt this residue have been determined to be pathogenic (PMID: 7874109, 9012462, 9230192, 9879991, 20979234). This suggests that this residue is clinically significant, and that variants that disrupt this residue are likely to be disease-causing. For these reasons, this variant has been classified as Pathogenic.

ARUP Laboratories, Molecular Genetics and Genomics, ARUP Laboratories
Classification: Pathogenic. Last evaluated: 2025-06-17. Review status: criteria provided, single submitter. Criteria: ARUP Molecular Germline Variant Investigation Process 2024. Collection method: clinical testing. Allele origin: germline.
Comment: The RET c.1859G>T; p.Cys620Phe variant has been described in the literature in individuals and families with multiple endocrine neoplasia type 2 (MEN2) and familial medullary thyroid carcinoma (FMTC) (American Thyroid Association Guidelines Task Force 2009, Hedayati 2011, Romei 2011, Wells 1994). This variant is reported as pathogenic by multiple laboratories in ClinVar (Variation ID: 13928), and is absent from the Genome Aggregation Database, indicating it is not a common polymorphism. The cysteine at codon 620 is highly conserved and occurs in the cysteine-rich extracellular RET domain computational analyses predict that this variant is deleterious (REVEL: 0.969). Additionally, other amino acid substitutions at this codon (Ser, Arg, Gly, Trp, and Tyr) have been reported in individuals with MEN2 and FMTC and are considered pathogenic (American Thyroid Association Guidelines Task Force 2009, Frank-Raue 2011, Romei 2011). Based on available evidence, the p.Cys620Phe variant is considered to be pathogenic. References: American Thyroid Association Guidelines Task Force et al. Medullary thyroid cancer: management guidelines of the American Thyroid Association. Thyroid. 2009;19(6):565-612. PMID: 19469690. Hedayati M et al. Predominant RET Germline Mutations in Exons 10, 11, and 16 in Iranian Patients with Hereditary Medullary Thyroid Carcinoma. J Thyroid Res. 2011;2011:264248. PMID: 21765987. Frank-Raue K et al. Risk profiles and penetrance estimations in multiple endocrine neoplasia type 2A caused by germline RET mutations located in exon 10. Hum Mutat. 2011 Jan;32(1):51-8. PMID: 20979234. Romei C et al. RET genetic screening of sporadic medullary thyroid cancer (MTC) allows the preclinical diagnosis of unsuspected gene carriers and the identification of a relevant percentage of hidden familial MTC (FMTC). Clin Endocrinol (Oxf). 2011 Feb;74(2):241-7. PMID: 21054478. Wells SA Jr et al. Predictive DNA testing and prophylactic thyroidectomy in patients at risk for multiple endocrine neoplasia type 2A. Ann Surg. 1994 Sep;220(3):237-4. PMID: 7916559.

GeneDx
Classification: Pathogenic. Last evaluated: 2025-06-16. Review status: criteria provided, single submitter. Criteria: GeneDx Variant Classification Process June 2021. Collection method: clinical testing. Allele origin: germline. Affected: yes.
Comment: Not observed at significant frequency in large population cohorts (gnomAD); In silico analysis supports that this missense variant has a deleterious effect on protein structure/function; Categorized as a variant with moderate risk for aggressive medullary thyroid carcinoma by the American Thyroid Association (PMID: 25810047); This variant is associated with the following publications: (PMID: 8909322, 19443294, 33340421, 19826964, 14715928, 16705552, 20979234, 21765987, 7916559, 25694125, 7874109, 18976013, 26033033, 31510104, 20516206, 18063059, 20664475, 7915165, Khalfa2021[abstract], 14633923, 25810047)

Molecular Pathology, Peter Maccallum Cancer Centre
Classification: Pathogenic for Multiple endocrine neoplasia, type 2. Last evaluated: 2025-03-07. Review status: criteria provided, single submitter. Criteria: ACMG Guidelines, 2015. Collection method: clinical testing. Allele origin: germline. Inheritance: Autosomal dominant inheritance.

Center for Genomic Medicine, Rigshospitalet, Copenhagen University Hospital
Classification: Pathogenic. Last evaluated: 2025-03-04. Review status: criteria provided, single submitter. Criteria: ACMG Guidelines, 2015. Collection method: clinical testing. Allele origin: germline.

Blueprint Genetics
Classification: Pathogenic for RET-related disorders. Last evaluated: 2024-07-01. Review status: criteria provided, single submitter. Criteria: ACMG Guidelines, 2015. Collection method: clinical testing. Allele origin: germline. Affected: yes. Observed: 5 variant alleles.

Mayo Clinic Laboratories, Mayo Clinic
Classification: Pathogenic. Last evaluated: 2024-06-20. Review status: criteria provided, single submitter. Criteria: ACMG Guidelines, 2015. Collection method: clinical testing. Allele origin: germline. Observed: 8 variant alleles.

Department of Pathology and Laboratory Medicine, Sinai Health System
Classification: Pathogenic for Hirschsprung disease, susceptibility to, 1; Familial medullary thyroid carcinoma; Multiple endocrine neoplasia type 2B; Pheochromocytoma; Multiple endocrine neoplasia type 2A. Last evaluated: 2023-12-12. Review status: criteria provided, single submitter. Criteria: ACMG Guidelines, 2015. Collection method: clinical testing. Allele origin: germline.

NM_020975.6(RET):c.1859G>T (p.Cys620Phe)

Gene: RET (ret proto-oncogene; plus strand). Cytogenetic location: 10q11.21.
Variant type: single nucleotide variant.
Coding change: c.1859G>T on transcript NM_020975.6 (MANE Select); coding-DNA position 1859, G replaced by T.
Protein change: p.Cys620Phe; replaces cysteine 620 with phenylalanine.
Molecular consequence: missense variant.
Genome position (GRCh38, 1-based): chr10:43,113,655, G>T. VCF-style: chr10-43113655-G-T. GRCh37 (hg19) VCF-style: chr10-43609103-G-T.
Other names: c.1463G>T, p.Cys488Phe (NM_001406772.1, NM_001406769.1); c.1421G>T, p.Cys474Phe (NM_001406773.1, NM_001406771.1); c.1334G>T, p.Cys445Phe (NM_001406774.1); c.1133G>T, p.Cys378Phe (NM_001406775.1, NM_001406776.1, NM_001406777.1 and 1 more transcripts); c.962G>T, p.Cys321Phe (NM_001406779.1, NM_001406780.1, NM_001406781.1 and 2 more transcripts); c.1859G>T, p.Cys620Phe (NM_000323.2, NM_001406743.1, NM_001406744.1 and 6 more transcripts); c.1097G>T, p.Cys366Phe (NM_001355216.2); c.1730G>T, p.Cys577Phe (NM_001406761.1, NM_001406762.1, NM_001406764.1 and 1 more transcripts); and 5 more; short protein forms C620F, C366F, C225F, C321F, C488F, C290F, C278F, C474F.
Identifiers: ClinVar variation 13928 (VCV000013928.43), dbSNP rs77503355, ClinGen allele CA008094.